The following continues an entry in ClinVar:

NM_000402.4(G6PD):c.934G>C (p.Asp312His)

Gene: G6PD. ClinVar aggregate classification (germline): Pathogenic/Likely pathogenic. Pathogenic (24); Likely pathogenic (2).

Submissions 23 to 29 of 29:

Courtagen Diagnostics Laboratory, Courtagen Life Sciences
Classification: Pathogenic for Hemolytic anemia due to G6PD deficiency. Last evaluated: 2014-04-10. Review status: criteria provided, single submitter. Criteria: Courtagen Life Sciences Classifications. Collection method: clinical testing. Allele origin: germline.

Eurofins Ntd Llc (ga)
Classification: Pathogenic. Last evaluated: 2013-11-12. Review status: criteria provided, single submitter. Criteria: EGL Classification Definitions. Collection method: clinical testing. Allele origin: germline. Observed: 6 variant alleles, 4 heterozygotes, 2 hemizygotes.

Kariminejad - Najmabadi Pathology & Genetics Center
Classification: Likely pathogenic for Anemia, nonspherocytic hemolytic, due to G6PD deficiency. Review status: criteria provided, single submitter. Criteria: ACMG Guidelines, 2015. Collection method: clinical testing. Allele origin: germline. Affected: no.

Lifecell International Pvt. Ltd
Classification: Pathogenic for Anemia, nonspherocytic hemolytic, due to G6PD deficiency. Review status: criteria provided, single submitter. Criteria: ACMG Guidelines, 2015. Collection method: clinical testing. Allele origin: germline. Inheritance: X-linked recessive inheritance. Affected: yes. Observed: 1 hemizygote.
Comment: This variant in exon 8 of the G6PD gene results in the amino acid substitution from Aspartic acid to Histidine at codon 312 (p.Asp312His) with the sequence change of c.934G>C (NM_000402.4). The observed variant has a minor allele frequency of 0.0007040% in gnomAD database. The reference base is conserved across the species and in-silico predictions by Polyphen and SIFT are damaging. This is a Class III: variant associated with mild to moderate G6PD deficiency (0.10-0.60 normal activity), with intermittent hemolysis. The G6PD c.934G>C; p.Asp312His variant also referred to as c.844G>C; p.Asp282His, commonly known as G6PD-Ferrara II or Lodi or Modena or Seattle in the literature. This variant has previously been reported for Glucose-6- phosphate dehydrogenase (G6PD) deficieny by (Cappellini MD et al., 1994, PMID: 7947250; Alfinito F et al., 1994, PMID: 7947239; Rudilla F et al., 2019, PMID: 31681265)

PreventionGenetics, part of Exact Sciences
Classification: Pathogenic for G6PD-related condition. Last evaluated: 2024-09-10. Review status: no assertion criteria provided. Collection method: clinical testing. Allele origin: germline. Not counted in ClinVar's aggregate classification.
Comment: The G6PD c.844G>C variant is predicted to result in the amino acid substitution p.Asp282His. This variant also described using legacy nomenclature as p.Asp312His, referred to as G6PD Seattle-like, has been reported in individuals with moderate glucose-6-phosphate dehydrogenase deficiency (see, for example, De Vita et al. 1989. PubMed ID: 2912069; Calabrò et al. 1993. PubMed ID: 8447319; Manco et al. 2023. PubMed ID: 36150187). In vitro experimental studies suggest this variant impacts protein function (Cappellini et al. 1995. PubMed ID: 7705842; Rodrigues et al. 2002. PubMed ID: 12064920; Cortés-Morales et al. 2018. PubMed ID: 30096395). An alternative nucleotide substitution affecting the same amino acid (p.Asp282Tyr) has also been reported in individuals with glucose-6-phosphate dehydrogenase deficiency (Kawamoto et al. 2006. PubMed ID: 16927025). This variant is reported in 0.11% of alleles in individuals of European (non-Finnish) descent in gnomAD. This variant is interpreted as pathogenic.

OMIM
Classification: other for G6PD SEATTLE-LIKE. Last evaluated: 2017-05-24. Review status: no assertion criteria provided. Collection method: literature only. Allele origin: germline. Not counted in ClinVar's aggregate classification.

OMIM
Classification: other for G6PD MODENA. Last evaluated: 2017-05-24. Review status: no assertion criteria provided. Collection method: literature only. Allele origin: germline. Not counted in ClinVar's aggregate classification.

Literature cited by the submitters: PubMed 1823863 (cited by Ambry Genetics); PubMed 2912069 (cited by 5 submitters); PubMed 7806085 (cited by 4 submitters); PubMed 7947239 (cited by 5 submitters); PubMed 7947250 (cited by 8 submitters); PubMed 8807321 (cited by Ambry Genetics and Labcorp Genetics (formerly Invitae), Labcorp); PubMed 11146567 (cited by Ambry Genetics and Victorian Clinical Genetics Services, Murdoch Childrens Research Institute); PubMed 12064920 (cited by 3 submitters); PubMed 19246566 (cited by Ambry Genetics); PubMed 25536053 (cited by 3 submitters); PubMed 30096395 (cited by 5 submitters); PubMed 31681265 (cited by Ambry Genetics); PubMed 36150187 (cited by Ambry Genetics); PubMed 7705842 (cited by Dasa); PubMed 36829893 (cited by Dasa); PubMed 5305539 (cited by Labcorp Genetics (formerly Invitae), Labcorp and OMIM); PubMed 8808605 (cited by Rady Children's Institute for Genomic Medicine, Rady Children's Hospital San Diego); PubMed 16225031 (cited by Rady Children's Institute for Genomic Medicine, Rady Children's Hospital San Diego); PubMed 18177777 (cited by Rady Children's Institute for Genomic Medicine, Rady Children's Hospital San Diego); PubMed 27040960 (cited by Rady Children's Institute for Genomic Medicine, Rady Children's Hospital San Diego); PubMed 28902532 (cited by Rady Children's Institute for Genomic Medicine, Rady Children's Hospital San Diego); PubMed 29262208 (cited by Rady Children's Institute for Genomic Medicine, Rady Children's Hospital San Diego); PubMed 29298156 (cited by Rady Children's Institute for Genomic Medicine, Rady Children's Hospital San Diego); PubMed 9299858 (cited by Women's Health and Genetics/Laboratory Corporation of America, LabCorp); PubMed 8447319 (cited by Dunham Lab, University of Washington); PubMed 7803800 (cited by Dunham Lab, University of Washington); PubMed 24134566 (cited by Dunham Lab, University of Washington); PubMed 33636823 (cited by Dunham Lab, University of Washington); PubMed 7959686 (cited by Dunham Lab, University of Washington); PubMed 16143877 (cited by Dunham Lab, University of Washington); PubMed 5844610 (cited by Dunham Lab, University of Washington); PubMed 5673160 (cited by Dunham Lab, University of Washington); PubMed 10782016 (cited by Dunham Lab, University of Washington and Mayo Clinic Laboratories, Mayo Clinic); PubMed 12367584 (cited by Dunham Lab, University of Washington); PubMed 34620237 (cited by Dunham Lab, University of Washington); PubMed 9233561 (cited by Dunham Lab, University of Washington); PubMed 21637675 (cited by Dunham Lab, University of Washington); PubMed 5770172 (cited by OMIM); PubMed 4974311 (cited by OMIM).